The following is an entry in ClinVar:

ClinVar aggregate classification (germline): Uncertain significance (1 of 4 stars; one submission).

Allele frequency attached by ClinVar (database versions not stated): TOPMed below 0.00001; gnomAD 0.00001.
gnomAD v4.1: 10 of 1,577,308 alleles (0.00063%); highest among the groups gnomAD compares: Non-Finnish European, 0.00078%; no homozygotes.

Submission:

Labcorp Genetics (formerly Invitae), Labcorp
Classification: Uncertain significance. Last evaluated: 2021-08-24. Review status: criteria provided, single submitter. Criteria: Invitae Variant Classification Sherloc (09022015). Collection method: clinical testing. Allele origin: germline.
Comment: This sequence change affects codon 2956 of the USH2A mRNA. It is a 'silent' change, meaning that it does not change the encoded amino acid sequence of the USH2A protein. This variant is not present in population databases (ExAC no frequency). This variant has not been reported in the literature in individuals affected with USH2A-related conditions. Algorithms developed to predict the effect of sequence changes on RNA splicing suggest that this variant may create or strengthen a splice site. In summary, the available evidence is currently insufficient to determine the role of this variant in disease. Therefore, it has been classified as a Variant of Uncertain Significance.

NM_206933.4(USH2A):c.8868A>G (p.Glu2956=)

Gene: USH2A (usherin; minus strand). Cytogenetic location: 1q41.
Variant type: single nucleotide variant.
Coding change: c.8868A>G on transcript NM_206933.4 (MANE Select); coding-DNA position 8868, A replaced by G.
Protein change: p.Glu2956=; no amino-acid change (glutamic acid 2956 retained).
Molecular consequence: synonymous variant.
Genome position (GRCh38, 1-based): chr1:215,846,011, T>C on the plus strand (A>G on the coding strand, the complement: USH2A is on the minus strand). VCF-style: chr1-215846011-T-C. GRCh37 (hg19) VCF-style: chr1-216019353-T-C.
Identifiers: ClinVar variation 849344 (VCV000849344.6), dbSNP rs755315304, ClinGen allele CA423312885.